The following is an entry in ClinVar:

NM_001372.4(DNAH9):c.72A>C (p.Arg24=)

Gene: DNAH9 (dynein axonemal heavy chain 9; plus strand). Cytogenetic location: 17p12.
Variant type: single nucleotide variant.
Coding change: c.72A>C on transcript NM_001372.4 (MANE Select); coding-DNA position 72, A replaced by C.
Protein change: p.Arg24=; no amino-acid change (arginine 24 retained).
Molecular consequence: synonymous variant.
Genome position (GRCh38, 1-based): chr17:11,598,570, A>C. VCF-style: chr17-11598570-A-C. GRCh37 (hg19) VCF-style: chr17-11501887-A-C.
Identifiers: ClinVar variation 2072831 (VCV002072831.6), dbSNP rs540068974, ClinGen allele CA8394455.
Genomic context (GRCh38, chr17:11,598,570, plus strand): 5'-GGAGGAGCGGGCCGCGCTCGCGGCGGAGAACGCGGATGGGGAACCCGGCGCCGACCGACG[A>C]CTGCGACTCCTGGGGACCTACGTGGCCATGAGCCTGCGGCCGGCTGCGGGCGCCTGGGAG-3'
Protein context (NP_001363.2, residues 14-34): NADGEPGADR[Arg24=]LRLLGTYVAM

ClinVar aggregate classification (germline): Likely benign. Review status: criteria provided, multiple submitters, no conflicts (2 of 4 stars). 2 submissions from 2 submitters: Likely benign (2). Last evaluated 2026-04-01.

gnomAD v4.1: 101 of 1,405,302 alleles (0.0072%); highest among the groups gnomAD compares: Admixed American, 0.03%; no homozygotes.

Submissions (2):

CeGaT Center for Human Genetics Tuebingen
Classification: Likely benign. Last evaluated: 2026-04-01. Review status: criteria provided, single submitter. Criteria: CeGaT Center For Human Genetics Tuebingen Variant Classification Criteria Version 2. Collection method: clinical testing. Allele origin: germline. Affected: yes. Observed: 1 variant allele.
Comment: DNAH9: BP4, BP7

Labcorp Genetics (formerly Invitae), Labcorp
Classification: Likely benign. Last evaluated: 2025-03-19. Review status: criteria provided, single submitter. Criteria: Invitae Variant Classification Sherloc (09022015). Collection method: clinical testing. Allele origin: germline.